The following is an entry in ClinVar:

NM_001040108.2(MLH3):c.1145_1146del (p.Val382fs)

Gene: MLH3 (mutL homolog 3; minus strand). Cytogenetic location: 14q24.3.
Variant type: Microsatellite.
Coding change: c.1145_1146del on transcript NM_001040108.2 (MANE Select); coding-DNA positions 1145 to 1146, 2 bases deleted (TG; older notation c.1145_1146delTG).
Protein change: p.Val382fs; shifts the reading frame from valine 382.
Molecular consequence: frameshift variant.
Genome position (GRCh38, 1-based): chr14:75,048,510-75,048,511, CA deleted on the plus strand (TG on the coding strand, the reverse complement: MLH3 is on the minus strand); deleting any 2 consecutive bases within chr14:75,048,510-75,048,514 gives the same sequence; the c. name uses the placement nearest the transcript's 3' end. VCF-style (leftmost placement, unchanged base first): chr14-75048509-TCA-T. GRCh37 (hg19) VCF-style: chr14-75515212-TCA-T.
Other names: c.1142_1143GT[1], p.Val382Aspfs (NM_001040108.1); c.1145_1146del, p.Val382fs (NM_014381.3); c.1145_1146delTG (NM_001040108.1); short protein forms V382fs.
Identifiers: ClinVar variation 4108694 (VCV004108694.2).

ClinVar aggregate classification (germline): Pathogenic (1 of 4 stars; one submission).

Submission:

Ambry Genetics
Classification: Pathogenic. Last evaluated: 2026-05-29. Review status: criteria provided, single submitter. Criteria: Ambry Variant Classification Scheme 2023. Collection method: clinical testing. Allele origin: germline.
Comment: The c.1145_1146delTG variant, located in coding exon 1 of the MLH3 gene, results from a deletion of two nucleotides at nucleotide positions 1145 to 1146, causing a translational frameshift with a predicted alternate stop codon (p.V382Dfs*4). This variant is considered to be rare based on population cohorts in the Genome Aggregation Database (gnomAD). This alteration is expected to result in loss of function by premature protein truncation or nonsense-mediated mRNA decay. As such, this alteration is interpreted as a disease-causing mutation.